The following is an entry in ClinVar:

ClinVar aggregate classification (germline): Uncertain significance (1 of 4 stars; one submission).

gnomAD v4.1: 7 of 1,606,252 alleles (0.00044%); highest among the groups gnomAD compares: Non-Finnish European, 0.0006%; no homozygotes.

Submission:

GeneDx
Classification: Uncertain significance. Last evaluated: 2026-10-08. Review status: criteria provided, single submitter. Criteria: GeneDx Variant Classification Process June 2021. Collection method: clinical testing. Allele origin: germline.
Comment: Not observed at significant frequency in large population cohorts (gnomAD); In silico analysis supports that this missense variant has a deleterious effect on protein structure/function; Has not been previously published as pathogenic or benign to our knowledge

NM_002473.6(MYH9):c.299A>C (p.Asn100Thr)

Gene: MYH9 (myosin heavy chain 9; minus strand). Cytogenetic location: 22q12.3.
Variant type: single nucleotide variant.
Coding change: c.299A>C on transcript NM_002473.6 (MANE Select); coding-DNA position 299, A replaced by C.
Protein change: p.Asn100Thr; replaces asparagine 100 with threonine.
Molecular consequence: missense variant.
Genome position (GRCh38, 1-based): chr22:36,348,938, T>G on the plus strand (A>C on the coding strand, the complement: MYH9 is on the minus strand). VCF-style: chr22-36348938-T-G. GRCh37 (hg19) VCF-style: chr22-36744983-T-G.
Other names: short protein forms N100T.
Identifiers: ClinVar variation 3393780 (VCV003393780.2).
Genomic context (GRCh38, chr22:36,348,938, plus strand): 5'-TGCGGGGTGCCACGGCAGCCACTTACGTAGATGAGCCCTGAGTAGTAACGCTCCTTGAGG[T>G]TGTGCAGCACCGAGGCTTCGTTGAGGCACGTGAGCTCTGCCATGTCCTCCACCTTGGAGA-3'
Protein context (NP_002464.1, residues 90-110): TCLNEASVLH[Asn100Thr]LKERYYSGLI